The following is an entry in ClinVar:

ClinVar aggregate classification (germline): Uncertain significance (1 of 4 stars; one submission).

Conditions:
Hereditary cancer-predisposing syndrome. Also called: Neoplastic Syndromes, Hereditary; Hereditary Cancer Syndrome; Hereditary neoplastic syndrome; Tumor predisposition. Identifiers: Orphanet 140162, MedGen C0027672, MeSH D009386, MONDO:0015356.

Submission:

Ambry Genetics
Classification: Uncertain significance for Hereditary cancer-predisposing syndrome. Last evaluated: 2023-06-10. Review status: criteria provided, single submitter. Criteria: Ambry Variant Classification Scheme 2023. Collection method: clinical testing. Allele origin: germline.
Comment: The p.R1022G variant (also known as c.3064A>G), located in coding exon 21 of the TSC1 gene, results from an A to G substitution at nucleotide position 3064. The arginine at codon 1022 is replaced by glycine, an amino acid with dissimilar properties. This amino acid position is conserved. In addition, this alteration is predicted to be tolerated by in silico analysis. Since supporting evidence is limited at this time, the clinical significance of this alteration remains unclear.

NM_000368.5(TSC1):c.3064A>G (p.Arg1022Gly)

Gene: TSC1 (TSC complex subunit 1; minus strand). Cytogenetic location: 9q34.13.
Variant type: single nucleotide variant.
Coding change: c.3064A>G on transcript NM_000368.5 (MANE Select); coding-DNA position 3064, A replaced by G.
Protein change: p.Arg1022Gly; replaces arginine 1022 with glycine.
Molecular consequence: missense variant. On other transcripts: non-coding transcript variant (5).
Genome position (GRCh38, 1-based): chr9:132,896,666, T>C on the plus strand (A>G on the coding strand, the complement: TSC1 is on the minus strand). VCF-style: chr9-132896666-T-C. GRCh37 (hg19) VCF-style: chr9-135772053-T-C.
Other names: c.2698A>G, p.Arg900Gly (NM_001406621.1, NM_001406622.1, NM_001406623.1 and 1 more transcripts); c.2659A>G, p.Arg887Gly (NM_001406624.1); c.2656A>G, p.Arg886Gly (NM_001406625.1); c.2113A>G, p.Arg705Gly (NM_001406626.1); c.2110A>G, p.Arg704Gly (NM_001406627.1, NM_001406628.1); c.2011A>G, p.Arg671Gly (NM_001406629.1, NM_001406630.1); c.3061A>G, p.Arg1021Gly (NM_001162426.2, NM_001406597.1, NM_001406598.1 and 2 more transcripts); c.2911A>G, p.Arg971Gly (NM_001162427.2, NM_001406610.1); and 8 more; short protein forms R1007G, R1021G, R886G, R887G, R970G, R1008G, R1016G, R671G.
Identifiers: ClinVar variation 2560383 (VCV002560383.2), dbSNP rs2131612210, ClinGen allele CA375367637.